The following is an entry in ClinVar:

NM_000094.4(COL7A1):c.140C>T (p.Ser47Leu)

Gene: COL7A1 (collagen type VII alpha 1 chain; minus strand). Cytogenetic location: 3p21.31.
Variant type: single nucleotide variant.
Coding change: c.140C>T on transcript NM_000094.4 (MANE Select); coding-DNA position 140, C replaced by T.
Protein change: p.Ser47Leu; replaces serine 47 with leucine.
Molecular consequence: missense variant.
Genome position (GRCh38, 1-based): chr3:48,594,494, G>A on the plus strand (C>T on the coding strand, the complement: COL7A1 is on the minus strand). VCF-style: chr3-48594494-G-A. GRCh37 (hg19) VCF-style: chr3-48631927-G-A.
Other names: short protein forms S47L.
Identifiers: ClinVar variation 3907276 (VCV003907276.1).
Genomic context (GRCh38, chr3:48,594,494, plus strand): 5'-GGCAGCACCAGCCCTTCGAGAAAGCTGCGGACCTCGCGGAAATTGCTGCGGCCAATGGAT[G>A]AGGAGCCATCCAGTAAGAACACAATGTCAGCGGCGTAAAGGCGCGTGCAGGTCACTGGGG-3'
Protein context (NP_000085.1, residues 37-57): ADIVFLLDGS[Ser47Leu]SIGRSNFREV

ClinVar aggregate classification (germline): Uncertain significance (1 of 4 stars; one submission).

Submission:

Women's Health and Genetics/Laboratory Corporation of America, LabCorp
Classification: Uncertain significance. Last evaluated: 2025-06-09. Review status: criteria provided, single submitter. Criteria: LabCorp Variant Classification Summary - May 2015. Collection method: clinical testing. Allele origin: germline.
Comment: Variant summary: COL7A1 c.140C>T (p.Ser47Leu) results in a non-conservative amino acid change in the encoded protein sequence. Algorithms developed to predict the effect of missense changes on protein structure and function all suggest that this variant is likely to be disruptive. The variant was absent in 250438 control chromosomes (gnomAD). The available data on variant occurrences in the general population are insufficient to allow any conclusion about variant significance. c.140C>T has been observed in an individual affected with Dystrophic Epidermolysis Bullosa, Recessive who was compound heterozygous with a pathogenic variant (Chiaverini_2014). These data do not allow any conclusion about variant significance. To our knowledge, no experimental evidence demonstrating an impact on protein function has been reported. The following publications have been ascertained in the context of this evaluation (PMID: 24252097, 36430820). No submitters have cited clinical-significance assessments for this variant to ClinVar. Based on the evidence outlined above, the variant was classified as uncertain significance.

Literature cited by the submitters: PubMed 24252097; PubMed 36430820.